The following is an entry in ClinVar:

ClinVar aggregate classification (germline): Benign (1 of 4 stars; one submission).

Conditions:
Lynch syndrome 4 (LYNCH4). Also called: Colorectal cancer, hereditary nonpolyposis, type 4; Hereditary non-polyposis colorectal cancer, type 4. Identifiers: Orphanet 144, MedGen C1838333, MONDO:0013699, OMIM 614337. Disease mechanism: loss of function.

Submission:

Myriad Genetics, Inc.
Classification: Benign for Lynch syndrome 4. Last evaluated: 2025-01-29. Review status: criteria provided, single submitter. Criteria: Myriad Autosomal Dominant, Autosomal Recessive and X-Linked Classification Criteria (2023). Collection method: clinical testing. Allele origin: unknown.
Comment: This variant is considered benign. This variant is a silent/synonymous amino acid change and it is not expected to impact splicing.

NM_000535.7(PMS2):c.1065A>G (p.Leu355=)

Gene: PMS2 (PMS1 homolog 2, mismatch repair system component; minus strand). Cytogenetic location: 7p22.1.
Variant type: single nucleotide variant.
Coding change: c.1065A>G on transcript NM_000535.7 (MANE Select); coding-DNA position 1065, A replaced by G.
Protein change: p.Leu355=; no amino-acid change (leucine 355 retained).
Molecular consequence: synonymous variant. On other transcripts: non-coding transcript variant (1), intron variant (10).
Genome position (GRCh38, 1-based): chr7:5,989,879, T>C on the plus strand (A>G on the coding strand, the complement: PMS2 is on the minus strand). VCF-style: chr7-5989879-T-C. GRCh37 (hg19) VCF-style: chr7-6029510-T-C.
Other names: c.660A>G, p.Leu220= (NM_001322003.2, NM_001322004.2, NM_001322005.2 and 16 more transcripts); c.747A>G, p.Leu249= (NM_001322007.2, NM_001322008.2, NM_001406876.1 and 2 more transcripts); c.132A>G, p.Leu44= (NM_001322011.2, NM_001322012.2); c.492A>G, p.Leu164= (NM_001322013.2, NM_001406909.1); c.1065A>G, p.Leu355= (NM_001322014.2, NM_001406871.1, NM_001406872.1); c.756A>G, p.Leu252= (NM_001322015.2, NM_001406875.1, NM_001406877.1 and 5 more transcripts); c.1251A>G, p.Leu417= (NM_001406866.1); c.1089A>G, p.Leu363= (NM_001406868.1); and 13 more.
Identifiers: ClinVar variation 3903522 (VCV003903522.1).